The following is an entry in ClinVar:

ClinVar aggregate classification (germline): Pathogenic (1 of 4 stars; one submission).

Conditions:
Familial intrahepatic cholestasis. Identifiers: Orphanet 284385, MedGen CN296401, MONDO:0017290.

Submission:

Genomenon, Inc
Classification: Pathogenic for Familial intrahepatic cholestasis. Last evaluated: 2026-04-14. Review status: criteria provided, single submitter. Criteria: Genomenon Sequence Variant Interpretation Standards - Updated. Collection method: curation. Allele origin: germline. Affected: yes.
Comment: ABCB11 p.Phe383LeufsTer15 (c.1146del) is a frameshift variant that results in the production of a truncated protein which is predicted to undergo nonsense-mediated mRNA decay. This variant has been observed in at least one proband with an ABCB11-related disorder (PMID:18692205). The variant was found to segregate with disease in at least one affected family (PMID:18692205). It is absent or not present at a significant frequency in gnomAD. In conclusion, we classify ABCB11 p.Phe383LeufsTer15 (c.1146del) as a pathogenic variant.

Literature cited by the submitters: PubMed 18692205.

NM_003742.4(ABCB11):c.1146del (p.Phe383fs)

Gene: ABCB11 (ATP binding cassette subfamily B member 11; minus strand). Cytogenetic location: 2q31.1.
Variant type: Deletion.
Coding change: c.1146del on transcript NM_003742.4 (MANE Select); coding-DNA position 1146, one base deleted (C; older notation c.1146delC).
Protein change: p.Phe383fs; shifts the reading frame from phenylalanine 383.
Molecular consequence: frameshift variant.
Genome position (GRCh38, 1-based): chr2:168,979,917, G deleted on the plus strand (C on the coding strand, the reverse complement: ABCB11 is on the minus strand); the first of 2 consecutive G bases (chr2:168,979,917-168,979,918); deleting either gives the same sequence. VCF-style (leftmost placement, unchanged base first): chr2-168979916-AG-A. GRCh37 (hg19) VCF-style: chr2-169836426-AG-A.
Other names: short protein forms F383fs.
Identifiers: ClinVar variation 4845994 (VCV004845994.1).